The following is an entry in ClinVar:

NM_001349253.2(SCN11A):c.267+4C>G

Gene: SCN11A (sodium voltage-gated channel alpha subunit 11; minus strand). Cytogenetic location: 3p22.2.
Variant type: single nucleotide variant.
Coding change: c.267+4C>G on transcript NM_001349253.2 (MANE Select); 4 bases into the intron after coding-DNA position 267, C replaced by G.
Molecular consequence: intron variant.
Genome position (GRCh38, 1-based): chr3:38,950,092, G>C on the plus strand (C>G on the coding strand, the complement: SCN11A is on the minus strand). VCF-style: chr3-38950092-G-C. GRCh37 (hg19) VCF-style: chr3-38991583-G-C.
Other names: c.267+4C>G (NM_014139.3).
Identifiers: ClinVar variation 4990216 (VCV004990216.1).

ClinVar aggregate classification (germline): Likely benign (1 of 4 stars; one submission).

Conditions:
SCN11A-related disorder. Also called: SCN11A-related condition.

Submission:

PreventionGenetics, part of Exact Sciences
Classification: Likely benign for SCN11A-related condition. Last evaluated: 2025-02-19. Review status: criteria provided, single submitter. Criteria: ACMG Guidelines, 2015. Collection method: clinical testing. Allele origin: germline.
Comment: This variant is classified as likely benign based on ACMG/AMP sequence variant interpretation guidelines (Richards et al. 2015 PMID: 25741868, with internal and published modifications).